The following is an entry in ClinVar:

NM_006231.4(POLE):c.2980C>G (p.Leu994Val)

Gene: POLE (DNA polymerase epsilon, catalytic subunit; minus strand). Cytogenetic location: 12q24.33.
Variant type: single nucleotide variant.
Coding change: c.2980C>G on transcript NM_006231.4 (MANE Select); coding-DNA position 2980, C replaced by G.
Protein change: p.Leu994Val; replaces leucine 994 with valine.
Molecular consequence: missense variant.
Genome position (GRCh38, 1-based): chr12:132,661,049, G>C on the plus strand (C>G on the coding strand, the complement: POLE is on the minus strand). VCF-style: chr12-132661049-G-C. GRCh37 (hg19) VCF-style: chr12-133237635-G-C.
Other names: short protein forms L994V.
Identifiers: ClinVar variation 3709150 (VCV003709150.2).
Genomic context (GRCh38, chr12:132,661,049, plus strand): 5'-GCCAGTAGTCAGCCACCTTGGCTACAGAGCCATACACCTCTTCCAGCGTGCTGCCCTTGA[G>C]GAAGGCCTCAAACACCGAGGATTGGAAGATCTTAATCAGCTGCAGTTCCCCGCGGCGTTT-3'
Protein context (NP_006222.2, residues 984-1004): IFQSSVFEAF[Leu994Val]KGSTLEEVYG

ClinVar aggregate classification (germline): Uncertain significance (1 of 4 stars; one submission).

Submission:

Labcorp Genetics (formerly Invitae), Labcorp
Classification: Uncertain significance. Last evaluated: 2024-05-18. Review status: criteria provided, single submitter. Criteria: Invitae Variant Classification Sherloc (09022015). Collection method: clinical testing. Allele origin: germline.
Comment: This sequence change replaces leucine, which is neutral and non-polar, with valine, which is neutral and non-polar, at codon 994 of the POLE protein (p.Leu994Val). This variant is not present in population databases (gnomAD no frequency). This variant has not been reported in the literature in individuals affected with POLE-related conditions. Advanced modeling of protein sequence and biophysical properties (such as structural, functional, and spatial information, amino acid conservation, physicochemical variation, residue mobility, and thermodynamic stability) performed at Invitae indicates that this missense variant is expected to disrupt POLE protein function with a positive predictive value of 80%. In summary, the available evidence is currently insufficient to determine the role of this variant in disease. Therefore, it has been classified as a Variant of Uncertain Significance.